The following is an entry in ClinVar:

ClinVar aggregate classification (germline): Benign. Review status: criteria provided, single submitter (1 of 4 stars). 2 submissions from 2 submitters: Benign (1). 1 of the submissions does not count toward it. Last evaluated 2019-12-31.

Conditions:
ARFGEF3-related disorder. Also called: ARFGEF3-related condition.

Allele frequency attached by ClinVar (database versions not stated): gnomAD exomes 0.00089; ExAC 0.00091; gnomAD 0.00226 and 0.00232; TOPMed 0.00255; ESP Exome Variant Server 0.00315; 1000 Genomes Project 0.00419; 1000 Genomes Project 30x 0.00484.
gnomAD v4.1: 1,230 of 1,613,980 alleles (0.076%); highest among the groups gnomAD compares: African/African-American, 0.72%; 4 homozygotes.

Submissions (2):

Labcorp Genetics (formerly Invitae), Labcorp
Classification: Benign. Last evaluated: 2019-12-31. Review status: criteria provided, single submitter. Criteria: Invitae Variant Classification Sherloc (09022015). Collection method: clinical testing. Allele origin: germline.

PreventionGenetics, part of Exact Sciences
Classification: Benign for ARFGEF3-related condition. Last evaluated: 2019-02-20. Review status: no assertion criteria provided. Collection method: clinical testing. Allele origin: germline. Not counted in ClinVar's aggregate classification.
Comment: This variant is classified as benign based on ACMG/AMP sequence variant interpretation guidelines (Richards et al. 2015 PMID: 25741868, with internal and published modifications).

NM_020340.5(ARFGEF3):c.1347T>G (p.Gly449=)

Gene: ARFGEF3 (ARFGEF family member 3; plus strand). Cytogenetic location: 6q23.3.
Variant type: single nucleotide variant.
Coding change: c.1347T>G on transcript NM_020340.5 (MANE Select); coding-DNA position 1347, T replaced by G.
Protein change: p.Gly449=; no amino-acid change (glycine 449 retained).
Molecular consequence: synonymous variant.
Genome position (GRCh38, 1-based): chr6:138,262,830, T>G. VCF-style: chr6-138262830-T-G. GRCh37 (hg19) VCF-style: chr6-138583967-T-G.
Identifiers: ClinVar variation 714321 (VCV000714321.6), dbSNP rs144891965, ClinGen allele CA4020564.